The following is an entry in ClinVar:

ClinVar aggregate classification (germline): Uncertain significance (1 of 4 stars; one submission).

Conditions:
Episodic ataxia type 2 (EA2). Also called: CEREBELLAR ATAXIA, PAROXYSMAL, ACETAZOLAMIDE-RESPONSIVE; CEREBELLOPATHY, HEREDITARY PAROXYSMAL; EPISODIC ATAXIA, NYSTAGMUS-ASSOCIATED; ACETAZOLAMIDE-RESPONSIVE HEREDITARY PAROXYSMAL CEREBELLAR ATAXIA; ATAXIA, EPISODIC, WITH NYSTAGMUS; ATAXIA, FAMILIAL PAROXYSMAL. Identifiers: Orphanet 97, MedGen C1720416, MONDO:0007163, OMIM 108500.
Developmental and epileptic encephalopathy, 42 (DEE42A). Also called: Epileptic encephalopathy, early infantile, 42; DEVELOPMENTAL AND EPILEPTIC ENCEPHALOPATHY 42A; EPILEPTIC ENCEPHALOPATHY, EARLY INFANTILE, 42A. Identifiers: MedGen C4310716, MONDO:0014917, OMIM 617106.

Submission:

Labcorp Genetics (formerly Invitae), Labcorp
Classification: Uncertain significance for Developmental and epileptic encephalopathy, 42; Episodic ataxia type 2. Last evaluated: 2024-02-07. Review status: criteria provided, single submitter. Criteria: Invitae Variant Classification Sherloc (09022015). Collection method: clinical testing. Allele origin: germline.
Comment: This sequence change replaces proline, which is neutral and non-polar, with threonine, which is neutral and polar, at codon 1861 of the CACNA1A protein (p.Pro1861Thr). This variant is not present in population databases (gnomAD no frequency). This variant has not been reported in the literature in individuals affected with CACNA1A-related conditions. Advanced modeling of protein sequence and biophysical properties (such as structural, functional, and spatial information, amino acid conservation, physicochemical variation, residue mobility, and thermodynamic stability) has been performed at Invitae for this missense variant, however the output from this modeling did not meet the statistical confidence thresholds required to predict the impact of this variant on CACNA1A protein function. In summary, the available evidence is currently insufficient to determine the role of this variant in disease. Therefore, it has been classified as a Variant of Uncertain Significance.

NM_001127221.2(CACNA1A):c.5581C>A (p.Pro1861Thr)

Gene: CACNA1A (calcium voltage-gated channel subunit alpha1 A; minus strand). Cytogenetic location: 19p13.13.
Variant type: single nucleotide variant.
Coding change: c.5581C>A on transcript NM_001127221.2 (MANE Plus Clinical); coding-DNA position 5581, C replaced by A.
Protein change: p.Pro1861Thr; replaces proline 1861 with threonine.
Molecular consequence: missense variant. On other transcripts: intron variant (4).
Genome position (GRCh38, 1-based): chr19:13,228,746, G>T on the plus strand (C>A on the coding strand, the complement: CACNA1A is on the minus strand). VCF-style: chr19-13228746-G-T. GRCh37 (hg19) VCF-style: chr19-13339560-G-T.
Other names: c.5529-1219C>A (NM_001127222.2); c.5538-1219C>A (NM_001174080.2); c.5547-1219C>A (NM_000068.4, NM_023035.3); short protein forms P1861T.
Identifiers: ClinVar variation 2952956 (VCV002952956.3), dbSNP rs2512610681, ClinGen allele CA404331511.